The following is an entry in ClinVar:

ClinVar aggregate classification (germline): Benign. Review status: criteria provided, multiple submitters, no conflicts (2 of 4 stars). 2 submissions from 2 submitters: Benign (2). Last evaluated 2018-01-13.

Conditions:
Interstitial lung disease due to ABCA3 deficiency. Also called: PULMONARY ALVEOLAR PROTEINOSIS, CONGENITAL, 3. Identifiers: Orphanet 440402, MedGen C1970456, MONDO:0012582, OMIM 610921.

Allele frequency attached by ClinVar (database versions not stated): gnomAD 0.08133; ESP Exome Variant Server 0.08618; 1000 Genomes Project 0.09105; TOPMed 0.09469; 1000 Genomes Project 30x 0.09541.
gnomAD v4.1: 16,635 of 512,182 alleles (3.2%); highest among the groups gnomAD compares: African/African-American, 28%; 2,176 homozygotes.

Submissions (2):

Illumina Laboratory Services, Illumina
Classification: Benign for Interstitial lung disease due to ABCA3 deficiency. Last evaluated: 2018-01-13. Review status: criteria provided, single submitter. Criteria: ICSL Variant Classification Criteria 13 December 2019. Collection method: clinical testing. Allele origin: germline.
Comment: This variant was observed in the ICSL laboratory as part of a predisposition screen in an ostensibly healthy population. It had not been previously curated by ICSL or reported in the Human Gene Mutation Database (HGMD: prior to June 1st, 2018), and was therefore a candidate for classification through an automated scoring system. Utilizing variant allele frequency, disease prevalence and penetrance estimates, and inheritance mode, an automated score was calculated to assess if this variant is too frequent to cause the disease. Based on the score and internal cut-off values, a variant classified as benign is not then subjected to further curation. The score for this variant resulted in a classification of benign for this disease.

Breakthrough Genomics
Classification: Benign. Review status: criteria provided, single submitter. Criteria: ACMG Guidelines, 2015. Collection method: not provided. Allele origin: germline. Inheritance: Autosomal recessive inheritance. Affected: yes.

NM_001089.3(ABCA3):c.-169G>A

Gene: ABCA3 (ATP binding cassette subfamily A member 3; minus strand). Cytogenetic location: 16p13.3.
Variant type: single nucleotide variant.
Coding change: c.-169G>A on transcript NM_001089.3 (MANE Select); 169 bases upstream of the start codon, G replaced by A.
Molecular consequence: 5 prime UTR variant.
Genome position (GRCh38, 1-based): chr16:2,328,595, C>T on the plus strand (G>A on the coding strand, the complement: ABCA3 is on the minus strand). VCF-style: chr16-2328595-C-T. GRCh37 (hg19) VCF-style: chr16-2378596-C-T.
Identifiers: ClinVar variation 318584 (VCV000318584.6), dbSNP rs323049, ClinGen allele CA7841891.